The following is an entry in ClinVar:

ClinVar aggregate classification (germline): Uncertain significance. Review status: criteria provided, multiple submitters, no conflicts (2 of 4 stars). 3 submissions from 3 submitters: Uncertain significance (3). Last evaluated 2025-08-06.

Conditions:
Infantile liver failure syndrome 3. Identifiers: MedGen C5231437, MONDO:0032844, OMIM 618641.

Allele frequency attached by ClinVar (database versions not stated): gnomAD exomes 0.00002 and 0.00003; ExAC 0.00003; gnomAD 0.00014 and 0.00015; TOPMed 0.00028; 1000 Genomes Project 30x 0.00031; 1000 Genomes Project 0.00040.
gnomAD v4.1: 55 of 1,613,906 alleles (0.0034%); highest among the groups gnomAD compares: Admixed American, 0.035%; no homozygotes.

Submissions (3):

Ambry Genetics
Classification: Uncertain significance. Last evaluated: 2025-08-06. Review status: criteria provided, single submitter. Criteria: Ambry Variant Classification Scheme 2023. Collection method: clinical testing. Allele origin: germline.

Labcorp Genetics (formerly Invitae), Labcorp
Classification: Uncertain significance. Last evaluated: 2025-07-21. Review status: criteria provided, single submitter. Criteria: Invitae Variant Classification Sherloc (09022015). Collection method: clinical testing. Allele origin: germline.
Comment: This sequence change replaces serine, which is neutral and polar, with alanine, which is neutral and non-polar, at codon 586 of the RINT1 protein (p.Ser586Ala). This variant is present in population databases (rs552354215, gnomAD 0.009%). This variant has not been reported in the literature in individuals affected with RINT1-related conditions. ClinVar contains an entry for this variant (Variation ID: 410809). An algorithm developed to predict the effect of missense changes on protein structure and function (PolyPhen-2) suggests that this variant is likely to be tolerated. In summary, the available evidence is currently insufficient to determine the role of this variant in disease. Therefore, it has been classified as a Variant of Uncertain Significance.

Fulgent Genetics
Classification: Uncertain significance for Infantile liver failure syndrome 3. Last evaluated: 2024-01-26. Review status: criteria provided, single submitter. Criteria: ACMG Guidelines, 2015. Collection method: clinical testing. Allele origin: germline.

NM_021930.6(RINT1):c.1756T>G (p.Ser586Ala)

Gene: RINT1 (RAD50 interactor 1; plus strand). Cytogenetic location: 7q22.3.
Variant type: single nucleotide variant.
Coding change: c.1756T>G on transcript NM_021930.6 (MANE Select); coding-DNA position 1756, T replaced by G.
Protein change: p.Ser586Ala; replaces serine 586 with alanine.
Molecular consequence: missense variant. On other transcripts: non-coding transcript variant (1).
Genome position (GRCh38, 1-based): chr7:105,563,817, T>G. VCF-style: chr7-105563817-T-G. GRCh37 (hg19) VCF-style: chr7-105204264-T-G.
Other names: c.1522T>G, p.Ser508Ala (NM_001346599.2); c.733T>G, p.Ser245Ala (NM_001346600.2, NM_001346603.2); c.832T>G, p.Ser278Ala (NM_001346601.2); short protein forms S586A, S508A, S245A, S278A.
Identifiers: ClinVar variation 410809 (VCV000410809.13), dbSNP rs552354215, ClinGen allele CA4426767.